The following is an entry in ClinVar:

ClinVar aggregate classification (germline): Uncertain significance. Review status: criteria provided, multiple submitters, no conflicts (2 of 4 stars). 3 submissions from 3 submitters: Uncertain significance (3). Last evaluated 2025-09-22.

Conditions:
Myopathy with myalgia, increased serum creatine kinase, and with or without episodic rhabdomyolysis 2. Identifiers: MedGen C5975449, MONDO:0975830, OMIM 620971.
Left ventricular noncompaction 1 (LVNC1). Also called: LEFT VENTRICULAR NONCOMPACTION 1 WITH OR WITHOUT CONGENITAL HEART DEFECTS. Identifiers: Orphanet 54260, MedGen C1858725, MONDO:0011403, OMIM 604169.

gnomAD v4.1: 15 of 1,613,816 alleles (0.00093%); highest among the groups gnomAD compares: Non-Finnish European, 0.0013%; no homozygotes.

Submissions (3):

Victorian Clinical Genetics Services, Murdoch Childrens Research Institute
Classification: Uncertain significance for Myopathy with myalgia, increased serum creatine kinase, and with or without episodic rhabdomyolysis 2. Last evaluated: 2025-09-22. Review status: criteria provided, single submitter. Criteria: ACMG Guidelines, 2015. Collection method: clinical testing. Allele origin: germline. Affected: yes.
Comment: This variant is classified as VUS-3B. Evidence in support of pathogenic classification: Variant is present in gnomAD <0.001 for a dominant condition (v4: 15 heterozygote(s), 0 homozygote(s)) ; Strong phenotype match for this individual. Evidence in support of benign classification: Missense variant predicted to be tolerated by in silico tool(s) or not conserved in placental mammals with a minor amino acid change. Additional information: Variant is predicted to result in a missense amino acid change from Met to Val; This variant is heterozygous; This gene is associated with autosomal dominant disease (PMID: 36799992). The association with left ventricular noncompaction 1, with or without congenital heart defects (MIM#604169) is regarded as disputed by ClinGen; Previous evidence of pathogenicity for this variant is inconclusive. This variant has been reported twice as a VUS by a clinical laboratory in ClinVar; No published evidence of segregation with disease has been identified for this variant; No published functional evidence has been identified for this variant; No comparable missense variants have previous evidence for pathogenicity; Variant is not located in an established domain, motif, hotspot or informative constraint region; The mechanism of disease for this gene is not clearly established; Inheritance information for this variant is not currently available in this individual.

Ambry Genetics
Classification: Uncertain significance. Last evaluated: 2024-07-26. Review status: criteria provided, single submitter. Criteria: Ambry Variant Classification Scheme 2023. Collection method: clinical testing. Allele origin: germline.

Labcorp Genetics (formerly Invitae), Labcorp
Classification: Uncertain significance for Left ventricular noncompaction 1. Last evaluated: 2024-07-23. Review status: criteria provided, single submitter. Criteria: Invitae Variant Classification Sherloc (09022015). Collection method: clinical testing. Allele origin: germline.
Comment: This sequence change replaces methionine, which is neutral and non-polar, with valine, which is neutral and non-polar, at codon 345 of the DTNA protein (p.Met345Val). This variant is present in population databases (rs374704854, gnomAD 0.007%). This variant has not been reported in the literature in individuals affected with DTNA-related conditions. Advanced modeling of protein sequence and biophysical properties (such as structural, functional, and spatial information, amino acid conservation, physicochemical variation, residue mobility, and thermodynamic stability) performed at Invitae indicates that this missense variant is not expected to disrupt DTNA protein function with a negative predictive value of 80%. In summary, the available evidence is currently insufficient to determine the role of this variant in disease. Therefore, it has been classified as a Variant of Uncertain Significance.

Literature cited by the submitters: PubMed 36799992 (cited by Victorian Clinical Genetics Services, Murdoch Childrens Research Institute).

NM_001386795.1(DTNA):c.1024A>G (p.Met342Val)

Gene: DTNA (dystrobrevin alpha; plus strand). Cytogenetic location: 18q12.1.
Variant type: single nucleotide variant.
Coding change: c.1024A>G on transcript NM_001386795.1 (MANE Select); coding-DNA position 1024, A replaced by G.
Protein change: p.Met342Val; replaces methionine 342 with valine.
Molecular consequence: missense variant. On other transcripts: intron variant (1).
Genome position (GRCh38, 1-based): chr18:34,827,615, A>G. VCF-style: chr18-34827615-A-G. GRCh37 (hg19) VCF-style: chr18-32407579-A-G.
Other names: c.1024A>G, p.Met342Val (NM_001128175.2, NM_001198938.2, NM_001198939.2 and 26 more transcripts); c.70A>G, p.Met24Val (NM_001198942.1, NM_001198944.1, NM_032980.4 and 1 more transcripts); c.274A>G, p.Met92Val (NM_001198943.1); c.1033A>G, p.Met345Val (NM_001386761.1, NM_001386762.1, NM_001391.5 and 5 more transcripts); c.603+15502A>G (NM_001198945.2); short protein forms M342V, M345V, M92V, M24V.
Identifiers: ClinVar variation 3505621 (VCV003505621.5).